The following is an entry in ClinVar:

NM_003482.4(KMT2D):c.1554_1577del (p.Leu520_Pro527del)

Gene: KMT2D (lysine methyltransferase 2D; minus strand). Cytogenetic location: 12q13.12.
Variant type: Deletion.
Coding change: c.1554_1577del on transcript NM_003482.4 (MANE Select); coding-DNA positions 1554 to 1577, 24 bases deleted (GCCCTTGTCTCCACCGGAAGAGTC).
Protein change: p.Leu520_Pro527del.
Molecular consequence: inframe deletion.
Genome position (GRCh38, 1-based): chr12:49,052,106-49,052,129, GACTCTTCCGGTGGAGACAAGGGC deleted on the plus strand (GCCCTTGTCTCCACCGGAAGAGTC on the coding strand, the reverse complement: KMT2D is on the minus strand); deleting any 24 consecutive bases within chr12:49,052,106-49,052,134 gives the same sequence; the c. name uses the placement nearest the transcript's 3' end. VCF-style (leftmost placement, unchanged base first): chr12-49052105-TGACTCTTCCGGTGGAGACAAGGGC-T. GRCh37 (hg19) VCF-style: chr12-49445888-TGACTCTTCCGGTGGAGACAAGGGC-T.
Identifiers: ClinVar variation 1518707 (VCV001518707.8), dbSNP rs1342814361, ClinGen allele CA605234069.

ClinVar aggregate classification (germline): Uncertain significance (1 of 4 stars; one submission).

Conditions:
Kabuki syndrome. Also called: Kabuki make-up syndrome; NIIKAWA-KUROKI SYNDROME. Identifiers: Orphanet 2322, MedGen C0796004, MONDO:0016512.

Submission:

Labcorp Genetics (formerly Invitae), Labcorp
Classification: Uncertain significance for Kabuki syndrome. Last evaluated: 2023-08-04. Review status: criteria provided, single submitter. Criteria: Invitae Variant Classification Sherloc (09022015). Collection method: clinical testing. Allele origin: germline.
Comment: This variant, c.1554_1577del, results in the deletion of 8 amino acid(s) of the KMT2D protein (p.Leu520_Pro527del), but otherwise preserves the integrity of the reading frame. This variant is present in population databases (no rsID available, gnomAD 0.004%). This variant has not been reported in the literature in individuals affected with KMT2D-related conditions. ClinVar contains an entry for this variant (Variation ID: 1518707). Experimental studies and prediction algorithms are not available or were not evaluated, and the functional significance of this variant is currently unknown. In summary, the available evidence is currently insufficient to determine the role of this variant in disease. Therefore, it has been classified as a Variant of Uncertain Significance.